The following is an entry in ClinVar:

NM_005912.3(MC4R):c.593T>C (p.Ile198Thr)

Gene: MC4R (melanocortin 4 receptor; minus strand). Cytogenetic location: 18q21.32.
Variant type: single nucleotide variant.
Coding change: c.593T>C on transcript NM_005912.3 (MANE Select); coding-DNA position 593, T replaced by C.
Protein change: p.Ile198Thr; replaces isoleucine 198 with threonine.
Molecular consequence: missense variant.
Genome position (GRCh38, 1-based): chr18:60,371,757, A>G on the plus strand (T>C on the coding strand, the complement: MC4R is on the minus strand). VCF-style: chr18-60371757-A-G. GRCh37 (hg19) VCF-style: chr18-58038990-A-G.
Other names: short protein forms I198T.
Identifiers: ClinVar variation 4985335 (VCV004985335.1).
Genomic context (GRCh38, chr18:60,371,757, plus strand): 5'-ATCAGGAACATGTGGACATAGAGAGAAGCCATGAGAGCCAGCATGGTGAAGAACATGGTG[A>G]TGAGGCAGATGATGACAGCACTACTATCTGAGTAAATGATGAACAAAATGCCTGAAACCG-3'
Protein context (NP_005903.2, residues 188-208): SDSSAVIICL[Ile198Thr]TMFFTMLALM

ClinVar aggregate classification (germline): Uncertain significance (1 of 4 stars; one submission).

Conditions:
MC4R-related disorder. Also called: MC4R-related condition.

Submission:

PreventionGenetics, part of Exact Sciences
Classification: Uncertain significance for MC4R-related condition. Last evaluated: 2026-03-20. Review status: criteria provided, single submitter. Criteria: ACMG Guidelines, 2015. Collection method: clinical testing. Allele origin: germline.
Comment: The MC4R c.593T>C variant is predicted to result in the amino acid substitution p.Ile198Thr. To our knowledge, this variant has not been reported in the literature. This variant is reported in 0.0080% of alleles in individuals of African descent in gnomAD. At this time, the clinical significance of this variant is uncertain due to the absence of conclusive functional and genetic evidence.